The following is an entry in ClinVar:

ClinVar aggregate classification (germline): Likely benign. Review status: criteria provided, multiple submitters, no conflicts (2 of 4 stars). 3 submissions from 3 submitters: Likely benign (3). Last evaluated 2025-11-08.

Conditions:
Cardiovascular phenotype. Identifiers: MedGen CN230736.
Autosomal recessive limb-girdle muscular dystrophy type 2J (LGMDR10). Also called: MUSCULAR DYSTROPHY, LIMB-GIRDLE, AUTOSOMAL RECESSIVE 10; Limb-girdle muscular dystrophy, type 2J. Identifiers: Orphanet 140922, MedGen C1837342, MONDO:0012127, OMIM 608807.
Dilated cardiomyopathy 1G (CMD1G). Identifiers: Orphanet 154, MedGen C1858763, MONDO:0011400, OMIM 604145.
TTN-related disorder. Also called: TTN-related condition; TTN-related disease; TTN-related disorders.

Allele frequency attached by ClinVar (database versions not stated): gnomAD 0.00001; TOPMed 0.00002; ExAC 0.00006.

Submissions (3):

Labcorp Genetics (formerly Invitae), Labcorp
Classification: Likely benign for Dilated cardiomyopathy 1G; Autosomal recessive limb-girdle muscular dystrophy type 2J. Last evaluated: 2025-11-08. Review status: criteria provided, single submitter. Criteria: Invitae Variant Classification Sherloc (09022015). Collection method: clinical testing. Allele origin: germline.

PreventionGenetics, part of Exact Sciences
Classification: Likely benign for TTN-related condition. Last evaluated: 2025-07-19. Review status: criteria provided, single submitter. Criteria: ACMG Guidelines, 2015. Collection method: clinical testing. Allele origin: germline.
Comment: This variant is classified as likely benign based on ACMG/AMP sequence variant interpretation guidelines (Richards et al. 2015 PMID: 25741868, with internal and published modifications).

Ambry Genetics
Classification: Likely benign for Cardiovascular phenotype. Last evaluated: 2012-08-15. Review status: criteria provided, single submitter. Criteria: Ambry Autosomal Dominant and X-Linked criteria (10/2015). Collection method: clinical testing. Allele origin: germline. Observed: 1 variant allele.

NM_001267550.2(TTN):c.46746C>A (p.Gly15582=)

Genes: TTN-AS1 (TTN antisense RNA 1; plus strand), TTN (titin; minus strand). Cytogenetic location: 2q31.2.
Variant type: single nucleotide variant.
Coding change: c.46746C>A on transcript NM_001267550.2 (MANE Select); coding-DNA position 46746, C replaced by A.
Protein change: p.Gly15582=; no amino-acid change (glycine 15582 retained).
Molecular consequence: synonymous variant.
Genome position (GRCh38, 1-based): chr2:178,618,804, G>T on the plus strand (C>A on the coding strand, the complement: TTN is on the minus strand). VCF-style: chr2-178618804-G-T. GRCh37 (hg19) VCF-style: chr2-179483531-G-T.
Other names: c.41823C>A, p.Gly13941= (NM_001256850.1); c.19551C>A, p.Gly6517= (NM_003319.4); c.39042C>A, p.Gly13014= (NM_133378.4); c.19926C>A, p.Gly6642= (NM_133432.3); c.20127C>A, p.Gly6709= (NM_133437.4).
Identifiers: ClinVar variation 263376 (VCV000263376.9), dbSNP rs759938870, ClinGen allele CA1995176.